The following is an entry in ClinVar:

NM_012108.4(STAP1):c.289G>A (p.Glu97Lys)

Genes: STAP1 (signal transducing adaptor family member 1; plus strand), LOC123477751 (Sharpr-MPRA regulatory region 12077; plus strand). Cytogenetic location: 4q13.2.
Variant type: single nucleotide variant.
Coding change: c.289G>A on transcript NM_012108.4 (MANE Select); coding-DNA position 289, G replaced by A.
Protein change: p.Glu97Lys; replaces glutamic acid 97 with lysine.
Molecular consequence: missense variant.
Genome position (GRCh38, 1-based): chr4:67,575,481, G>A. VCF-style: chr4-67575481-G-A. GRCh37 (hg19) VCF-style: chr4-68441199-G-A.
Other names: c.289G>A, p.Glu97Lys (NM_001317769.2); short protein forms E97K.
Identifiers: ClinVar variation 4841814 (VCV004841814.1).

ClinVar aggregate classification (germline): Uncertain significance (1 of 4 stars; one submission).

gnomAD v4.1: 2 of 1,610,352 alleles (0.00012%); highest among the groups gnomAD compares: East Asian, 0.0045%; no homozygotes.

Submission:

Ambry Genetics
Classification: Uncertain significance. Last evaluated: 2025-12-19. Review status: criteria provided, single submitter. Criteria: Ambry Variant Classification Scheme 2023. Collection method: clinical testing. Allele origin: germline.
Comment: The p.E97K variant (also known as c.289G>A), located in coding exon 3 of the STAP1 gene, results from a G to A substitution at nucleotide position 289. The glutamic acid at codon 97 is replaced by lysine, an amino acid with similar properties. This amino acid position is conserved. In addition, this alteration is predicted to be tolerated by in silico analysis. Based on the available evidence, the clinical significance of this variant remains unclear.